The following is an entry in ClinVar:

ClinVar aggregate classification (germline): Conflicting classifications of pathogenicity. Review status: criteria provided, conflicting classifications (1 of 4 stars). 6 submissions from 6 submitters: Uncertain significance (1); Likely benign (5). Last evaluated 2026-09-01.

Conditions:
Epidermolysis bullosa simplex 5C, with pyloric atresia (EBS5C). Also called: PLEC-Related Epidermolysis Bullosa with Pyloric Atresia; Epidermolysis bullosa simplex with pyloric atresia; PLEC1-Related Epidermolysis Bullosa with Pyloric Atresia. Identifiers: Orphanet 158684, MedGen C2677349, MONDO:0012807, OMIM 612138.
Epidermolysis bullosa simplex 5B, with muscular dystrophy (EBS5B). Also called: EPIDERMOLYSIS BULLOSA SIMPLEX AND LIMB-GIRDLE MUSCULAR DYSTROPHY; Epidermolysis bullosa simplex with muscular dystrophy. Identifiers: Orphanet 257, MedGen C2931072, MONDO:0009181, OMIM 226670.
Autosomal recessive limb-girdle muscular dystrophy type 2Q (LGMDR17). Also called: MUSCULAR DYSTROPHY, LIMB-GIRDLE, AUTOSOMAL RECESSIVE 17. Identifiers: Orphanet 254361, MedGen C3150989, MONDO:0013390, OMIM 613723.
Epidermolysis bullosa simplex with nail dystrophy (EBS5D). Identifiers: MedGen C4225309, MONDO:0014661, OMIM 616487.
Epidermolysis bullosa simplex, Ogna type (EBS5A). Also called: Pidermolysis bullosa simplex 5A, Ogna type; EPIDERMOLYSIS BULLOSA SIMPLEX 5A, OGNA TYPE. Identifiers: Orphanet 79401, MedGen C0432317, MONDO:0007555, OMIM 131950.
PLEC-related disorder. Also called: PLEC-related disorders; PLEC-related condition.
Inborn genetic diseases. Identifiers: MedGen C0950123, MeSH D030342.

Allele frequency attached by ClinVar (database versions not stated): TOPMed 0.00010; gnomAD 0.00012; ESP Exome Variant Server 0.00032.
gnomAD v4.1: 153 of 1,601,698 alleles (0.0096%); highest among the groups gnomAD compares: Non-Finnish European, 0.012%; no homozygotes.

Submissions (6):

CeGaT Center for Human Genetics Tuebingen
Classification: Likely benign. Last evaluated: 2026-09-01. Review status: criteria provided, single submitter. Criteria: CeGaT Center For Human Genetics Tuebingen Variant Classification Criteria Version 2. Collection method: clinical testing. Allele origin: germline. Affected: yes. Observed: 2 variant alleles.
Comment: PLEC: BP4, BP7

PreventionGenetics, part of Exact Sciences
Classification: Likely benign for PLEC-related condition. Last evaluated: 2026-01-02. Review status: criteria provided, single submitter. Criteria: ACMG Guidelines, 2015. Collection method: clinical testing. Allele origin: germline.
Comment: This variant is classified as likely benign based on ACMG/AMP sequence variant interpretation guidelines (Richards et al. 2015 PMID: 25741868, with internal and published modifications).

Labcorp Genetics (formerly Invitae), Labcorp
Classification: Likely benign for Autosomal recessive limb-girdle muscular dystrophy type 2Q; Epidermolysis bullosa simplex, Ogna type; Epidermolysis bullosa simplex with nail dystrophy; Epidermolysis bullosa simplex 5C, with pyloric atresia; Epidermolysis bullosa simplex 5B, with muscular dystrophy. Last evaluated: 2025-08-18. Review status: criteria provided, single submitter. Criteria: Invitae Variant Classification Sherloc (09022015). Collection method: clinical testing. Allele origin: germline.

Ambry Genetics
Classification: Likely benign for Inborn genetic diseases. Last evaluated: 2024-12-11. Review status: criteria provided, single submitter. Criteria: Ambry Variant Classification Scheme 2023. Collection method: clinical testing. Allele origin: germline.

Blueprint Genetics
Classification: Likely benign. Last evaluated: 2024-11-14. Review status: criteria provided, single submitter. Criteria: ACMG Guidelines, 2015. Collection method: clinical testing. Allele origin: germline.

Eurofins Ntd Llc (ga)
Classification: Uncertain significance. Last evaluated: 2018-01-12. Review status: criteria provided, single submitter. Criteria: EGL Classification Definitions 2015. Collection method: clinical testing. Allele origin: germline. Observed: 5 variant alleles, 4 heterozygotes.

NM_201384.3(PLEC):c.2094G>A (p.Ala698=)

Gene: PLEC (plectin; minus strand). Cytogenetic location: 8q24.3.
Variant type: single nucleotide variant.
Coding change: c.2094G>A on transcript NM_201384.3 (MANE Select); coding-DNA position 2094, G replaced by A.
Protein change: p.Ala698=; no amino-acid change (alanine 698 retained).
Molecular consequence: synonymous variant.
Genome position (GRCh38, 1-based): chr8:143,932,021, C>T on the plus strand (G>A on the coding strand, the complement: PLEC is on the minus strand). VCF-style: chr8-143932021-C-T. GRCh37 (hg19) VCF-style: chr8-145006189-C-T.
Other names: c.2175G>A, p.Ala725= (NM_000445.5); c.2052G>A, p.Ala684= (NM_201378.4); c.2028G>A, p.Ala676= (NM_201379.3); c.2505G>A, p.Ala835= (NM_201380.4); c.1998G>A, p.Ala666= (NM_201381.3); c.2094G>A, p.Ala698= (NM_201382.4); c.2106G>A, p.Ala702= (NM_201383.3); c.2175G>A (NM_000445.3).
Identifiers: ClinVar variation 497096 (VCV000497096.57), dbSNP rs373347166, ClinGen allele CA4927653.